The following is an entry in ClinVar:

NM_004006.3(DMD):c.3923C>A (p.Ser1308Ter)

Gene: DMD (dystrophin; minus strand). Cytogenetic location: Xp21.1.
Variant type: single nucleotide variant.
Coding change: c.3923C>A on transcript NM_004006.3 (MANE Select); coding-DNA position 3923, C replaced by A.
Protein change: p.Ser1308Ter; replaces serine 1308 with a stop codon.
Molecular consequence: nonsense.
Genome position (GRCh38, 1-based): chrX:32,438,389, G>T on the plus strand (C>A on the coding strand, the complement: DMD is on the minus strand). VCF-style: chrX-32438389-G-T. GRCh37 (hg19) VCF-style: chrX-32456506-G-T.
Other names: c.3899C>A, p.Ser1300Ter (NM_000109.4); c.3911C>A, p.Ser1304Ter (NM_004009.3); c.3554C>A, p.Ser1185Ter (NM_004010.3); short protein forms S1308*, S1185*, S1304*, S1300*.
Identifiers: ClinVar variation 595153 (VCV000595153.15), dbSNP rs1569562466, ClinGen allele CA412669557.
Genomic context (GRCh38, chrX:32,438,389, plus strand): 5'-TGTGCCAATATGCGAATCTGATTTGGGTTATCCTCTGAATGTCGCATCAAATTTTCAAGT[G>T]ACTGAAACACATTTGCAATAATTACTATTTCTCCTTTTTTTTCTAAATACATTGGATTAT-3'

ClinVar aggregate classification (germline): Pathogenic. Review status: criteria provided, multiple submitters, no conflicts (2 of 4 stars). 3 submissions from 3 submitters: Pathogenic (3). Last evaluated 2023-07-25.

Conditions:
Duchenne muscular dystrophy (DMD). Also called: MUSCULAR DYSTROPHY, PSEUDOHYPERTROPHIC PROGRESSIVE, DUCHENNE TYPE; Duchenne Muscular Dystrophy (DMD). Identifiers: Orphanet 98896, MedGen C0013264, MONDO:0010679, OMIM 310200.

Submissions (3):

3billion
Classification: Pathogenic for Duchenne muscular dystrophy. Last evaluated: 2023-07-25. Review status: criteria provided, single submitter. Criteria: ACMG Guidelines, 2015. Collection method: clinical testing. Allele origin: germline. Affected: yes.
Comment: The variant is not observed in the gnomAD v2.1.1 dataset. Predicted Consequence/Location: Stop-gained (nonsense): predicted to result in a loss or disruption of normal protein function through nonsense-mediated decay (NMD) or protein truncation. Multiple pathogenic variants are reported downstream of the variant. The variant has been reported at least twice as pathogenic without evidence for the classification (ClinVar ID: VCV000595153 /PMID: 31412794). Therefore, this variant is classified as Pathogenic according to the recommendation of ACMG/AMP guideline.

Labcorp Genetics (formerly Invitae), Labcorp
Classification: Pathogenic for Duchenne muscular dystrophy. Last evaluated: 2022-03-18. Review status: criteria provided, single submitter. Criteria: Invitae Variant Classification Sherloc (09022015). Collection method: clinical testing. Allele origin: germline.
Comment: This sequence change creates a premature translational stop signal (p.Ser1308*) in the DMD gene. It is expected to result in an absent or disrupted protein product. Loss-of-function variants in DMD are known to be pathogenic (PMID: 16770791, 25007885). This variant is not present in population databases (gnomAD no frequency). This premature translational stop signal has been observed in individual(s) with a personal or family history of DMD-related conditions (PMID: 31412794). ClinVar contains an entry for this variant (Variation ID: 595153). For these reasons, this variant has been classified as Pathogenic.

Eurofins Ntd Llc (ga)
Classification: Pathogenic. Last evaluated: 2017-12-01. Review status: criteria provided, single submitter. Criteria: EGL Classification Definitions 2015. Collection method: clinical testing. Allele origin: germline. Observed: 1 variant allele, 1 hemizygote.

Literature cited by the submitters: PubMed 31412794 (cited by 3billion and Labcorp Genetics (formerly Invitae), Labcorp); PubMed 16770791 (cited by Labcorp Genetics (formerly Invitae), Labcorp); PubMed 25007885 (cited by Labcorp Genetics (formerly Invitae), Labcorp).